The following is an entry in ClinVar:

NM_001457.4(FLNB):c.4514+277A>G

Gene: FLNB (filamin B; plus strand). Cytogenetic location: 3p14.3.
Variant type: single nucleotide variant.
Coding change: c.4514+277A>G on transcript NM_001457.4 (MANE Select); 277 bases into the intron after coding-DNA position 4514, A replaced by G.
Molecular consequence: intron variant.
Genome position (GRCh38, 1-based): chr3:58,133,208, A>G. VCF-style: chr3-58133208-A-G. GRCh37 (hg19) VCF-style: chr3-58118935-A-G.
Other names: c.4607+277A>G (NM_001164317.2); c.4514+277A>G (NM_001164318.2, NM_001164319.2).
Identifiers: ClinVar variation 671106 (VCV000671106.1), dbSNP rs9790287, ClinGen allele CA15232952.

ClinVar aggregate classification (germline): Benign (1 of 4 stars; one submission).

Allele frequency attached by ClinVar (database versions not stated): gnomAD 0.39070 and 0.40157; TOPMed 0.42388; 1000 Genomes Project 30x 0.60806; 1000 Genomes Project 0.60962.
gnomAD v4.1: 60,935 of 151,974 alleles (40%); highest among the groups gnomAD compares: East Asian, 97%; 15,009 homozygotes.

Submission:

GeneDx
Classification: Benign. Last evaluated: 2018-06-14. Review status: criteria provided, single submitter. Criteria: GeneDx Variant Classification (06012015). Collection method: clinical testing. Allele origin: germline. Affected: yes.
Comment: This variant is considered likely benign or benign based on one or more of the following criteria: it is a conservative change, it occurs at a poorly conserved position in the protein, it is predicted to be benign by multiple in silico algorithms, and/or has population frequency not consistent with disease.